The following is an entry in ClinVar:

NM_000548.5(TSC2):c.2854C>T (p.Pro952Ser)

Gene: TSC2 (TSC complex subunit 2; plus strand). Cytogenetic location: 16p13.3.
Variant type: single nucleotide variant.
Coding change: c.2854C>T on transcript NM_000548.5 (MANE Select); coding-DNA position 2854, C replaced by T.
Protein change: p.Pro952Ser; replaces proline 952 with serine.
Molecular consequence: missense variant. On other transcripts: intron variant (9).
Genome position (GRCh38, 1-based): chr16:2,077,614, C>T. VCF-style: chr16-2077614-C-T. GRCh37 (hg19) VCF-style: chr16-2127615-C-T.
Other names: c.2854C>T, p.Pro952Ser (NM_001114382.3); c.2837+1029C>T (NM_021055.3, NM_001370405.1, NM_001363528.2 and 2 more transcripts); c.2726+1029C>T (NM_001318827.2); c.2237+1029C>T (NM_001318831.2); c.2690+1029C>T (NM_001318829.2); c.2870+1029C>T (NM_001318832.2); short protein forms P952S.
Identifiers: ClinVar variation 535961 (VCV000535961.17), dbSNP rs745456980, ClinGen allele CA042455.
Genomic context (GRCh38, chr16:2,077,614, plus strand): 5'-AGCTGGGCTCTCTGGGGCGTTGGGGCTCCTTCCTCACCCGATAGTCTGAGGATAGCCAGA[C>T]CCCCCAAACAAGGCTTGAATAACTCTCCACCCGTGAAAGAATTCAAGGAGAGCTCTGCAG-3'
Protein context (NP_000539.2, residues 942-962): ERPKSLRIAR[Pro952Ser]PKQGLNNSPP

ClinVar aggregate classification (germline): Conflicting classifications of pathogenicity. Review status: criteria provided, conflicting classifications (1 of 4 stars). 4 submissions from 4 submitters: Uncertain significance (3); Benign (1). Last evaluated 2026-01-27.

Conditions:
Tuberous sclerosis 2 (TSC2). Identifiers: Orphanet 805, MedGen C1860707, MONDO:0013199, OMIM 613254.
Isolated focal cortical dysplasia type II (FCORD2). Also called: Focal cortical dysplasia type II; CORTICAL DYSPLASIA OF TAYLOR. Identifiers: Orphanet 268994, MedGen C1846385, MONDO:0011818, OMIM 607341, HP:0032051.
Lymphangiomyomatosis (LAM). Also called: Lymphangioleiomyomatosis; Lymphangioleiomyomatosis, somatic. Identifiers: Orphanet 538, MedGen C0751674, MONDO:0011705, OMIM 606690.
Hereditary cancer-predisposing syndrome. Also called: Neoplastic Syndromes, Hereditary; Tumor predisposition; Hereditary Cancer Syndrome; Hereditary neoplastic syndrome. Identifiers: Orphanet 140162, MedGen C0027672, MeSH D009386, MONDO:0015356.
Tuberous sclerosis syndrome (TSC). Also called: Tuberous Sclerosis Complex; Tuberous sclerosis. Identifiers: Orphanet 805, MedGen C0041341, MONDO:0001734.

Allele frequency attached by ClinVar (database versions not stated): gnomAD exomes below 0.00001; ExAC 0.00001.

Submissions (4):

Labcorp Genetics (formerly Invitae), Labcorp
Classification: Benign for Tuberous sclerosis 2. Last evaluated: 2026-01-27. Review status: criteria provided, single submitter. Criteria: Invitae Variant Classification Sherloc (09022015). Collection method: clinical testing. Allele origin: germline.

Color Diagnostics, LLC DBA Color Health
Classification: Uncertain significance for Tuberous sclerosis syndrome. Last evaluated: 2025-07-11. Review status: criteria provided, single submitter. Criteria: ACMG Guidelines, 2015. Collection method: clinical testing. Allele origin: germline.
Comment: This missense variant replaces proline with serine at codon 952 of the TSC2 protein. Computational prediction suggests that this variant may not impact protein structure and function. To our knowledge, functional studies have not been reported for this variant. This variant has not been reported in individuals affected with TSC2-related disorders in the literature. This variant has been identified in 1/250902 chromosomes in the general population by the Genome Aggregation Database (gnomAD). The available evidence is insufficient to determine the role of this variant in disease conclusively. Therefore, this variant is classified as a Variant of Uncertain Significance.

Ambry Genetics
Classification: Uncertain significance for Hereditary cancer-predisposing syndrome. Last evaluated: 2024-10-17. Review status: criteria provided, single submitter. Criteria: Ambry Variant Classification Scheme 2023. Collection method: clinical testing. Allele origin: germline.
Comment: The p.P952S variant (also known as c.2854C>T), located in coding exon 25 of the TSC2 gene, results from a C to T substitution at nucleotide position 2854. The proline at codon 952 is replaced by serine, an amino acid with similar properties. This amino acid position is not well conserved in available vertebrate species. In addition, the in silico prediction for this alteration is inconclusive. Based on the available evidence, the clinical significance of this variant remains unclear.

Fulgent Genetics
Classification: Uncertain significance for Lymphangiomyomatosis; Isolated focal cortical dysplasia type II; Tuberous sclerosis 2. Last evaluated: 2024-02-21. Review status: criteria provided, single submitter. Criteria: ACMG Guidelines, 2015. Collection method: clinical testing. Allele origin: germline.